The following is an entry in ClinVar:

ClinVar aggregate classification (germline): Pathogenic (1 of 4 stars; one submission).

Conditions:
Neurofibromatosis, type 1 (NF1). Also called: Neurofibromatosis, type I; VON RECKLINGHAUSEN DISEASE; Peripheral type neurofibromatosis; NEUROFIBROMATOSIS, TYPE I, SOMATIC. Identifiers: Orphanet 636, MedGen C0027831, MONDO:0018975, OMIM 162200. Disease mechanism: loss of function.

Submission:

Labcorp Genetics (formerly Invitae), Labcorp
Classification: Pathogenic for Neurofibromatosis, type 1. Last evaluated: 2019-06-19. Review status: criteria provided, single submitter. Criteria: Invitae Variant Classification Sherloc (09022015). Collection method: clinical testing. Allele origin: germline.
Comment: This variant has been observed to segregate with neurofibromatosis type 1 in a family (Invitae). For these reasons, this variant has been classified as Pathogenic. Loss-of-function variants in NF1 are known to be pathogenic (PMID: 10712197, 23913538). This variant is not present in population databases (ExAC no frequency). This sequence change creates a premature translational stop signal (p.Gln1017Hisfs*2) in the NF1 gene. It is expected to result in an absent or disrupted protein product.

Literature cited by the submitters: PubMed 10712197; PubMed 23913538.

NM_001042492.3(NF1):c.3051del (p.Gln1017fs)

Gene: NF1 (neurofibromin 1; plus strand). Cytogenetic location: 17q11.2.
Variant type: Deletion.
Coding change: c.3051del on transcript NM_001042492.3 (MANE Select); coding-DNA position 3051, one base deleted (A; older notation c.3051delA).
Protein change: p.Gln1017fs; shifts the reading frame from glutamine 1017.
Molecular consequence: frameshift variant.
Genome position (GRCh38, 1-based): chr17:31,230,320, A deleted; the last of 2 consecutive A bases (chr17:31,230,319-31,230,320); deleting either gives the same sequence. VCF-style (leftmost placement, unchanged base first): chr17-31230318-CA-C. GRCh37 (hg19) VCF-style: chr17-29557336-CA-C.
Other names: c.3051delA, p.Gln1017Hisfs (NM_000267.4); short protein forms Q1017fs.
Identifiers: ClinVar variation 856218 (VCV000856218.6), dbSNP rs2067091646, ClinGen allele CA916080648.